The following is an entry in ClinVar:

NM_000535.7(PMS2):c.85G>A (p.Gly29Arg)

Gene: PMS2 (PMS1 homolog 2, mismatch repair system component; minus strand). Cytogenetic location: 7p22.1.
Variant type: single nucleotide variant.
Coding change: c.85G>A on transcript NM_000535.7 (MANE Select); coding-DNA position 85, G replaced by A.
Protein change: p.Gly29Arg; replaces glycine 29 with arginine.
Molecular consequence: missense variant. On other transcripts: 5 prime UTR variant (8), non-coding transcript variant (1), intron variant (3).
Genome position (GRCh38, 1-based): chr7:6,005,970, C>T on the plus strand (G>A on the coding strand, the complement: PMS2 is on the minus strand). VCF-style: chr7-6005970-C-T. GRCh37 (hg19) VCF-style: chr7-6045601-C-T.
Other names: c.-321G>A (NM_001322003.2, NM_001322005.2, NM_001322009.2 and 1 more transcripts); c.85G>A, p.Gly29Arg (NM_001322006.2, NM_001322014.2); c.-131G>A (NM_001322007.2); c.-800G>A (NM_001322011.2, NM_001322012.2); c.-400G>A (NM_001322015.2); c.-52-1912G>A (NM_001322008.2); c.-242-1912G>A (NM_001322010.2, NM_001322004.2); short protein forms G29R.
Identifiers: ClinVar variation 822600 (VCV000822600.14), dbSNP rs1583419271, ClinGen allele CA366745088.

ClinVar aggregate classification (germline): Uncertain significance. Review status: criteria provided, multiple submitters, no conflicts (2 of 4 stars). 3 submissions from 3 submitters: Uncertain significance (3). Last evaluated 2026-01-27.

Conditions:
Hereditary nonpolyposis colorectal neoplasms. Identifiers: MedGen C0009405, MeSH D003123.
Hereditary cancer-predisposing syndrome. Also called: Tumor predisposition; Hereditary Cancer Syndrome; Neoplastic Syndromes, Hereditary; Hereditary neoplastic syndrome. Identifiers: Orphanet 140162, MedGen C0027672, MeSH D009386, MONDO:0015356.
Lynch syndrome. Identifiers: Orphanet 144, MedGen C4552100, MONDO:0005835. Disease mechanism: loss of function.

Submissions (3):

Labcorp Genetics (formerly Invitae), Labcorp
Classification: Uncertain significance for Hereditary nonpolyposis colorectal neoplasms. Last evaluated: 2026-01-27. Review status: criteria provided, single submitter. Criteria: Invitae Variant Classification Sherloc (09022015). Collection method: clinical testing. Allele origin: germline.
Comment: This sequence change replaces glycine, which is neutral and non-polar, with arginine, which is basic and polar, at codon 29 of the PMS2 protein (p.Gly29Arg). This variant is not present in population databases (gnomAD no frequency). This variant has not been reported in the literature in individuals affected with PMS2-related conditions. ClinVar contains an entry for this variant (Variation ID: 822600). Invitae Evidence Modeling incorporating data from in vitro experimental studies (internal data) indicates that this missense variant is not expected to disrupt PMS2 function with a negative predictive value of 95%. In summary, the available evidence is currently insufficient to determine the role of this variant in disease. Therefore, it has been classified as a Variant of Uncertain Significance.

Ambry Genetics
Classification: Uncertain significance for Hereditary cancer-predisposing syndrome. Last evaluated: 2025-06-16. Review status: criteria provided, single submitter. Criteria: Ambry Variant Classification Scheme 2023. Collection method: clinical testing. Allele origin: germline.
Comment: The p.G29R variant (also known as c.85G>A), located in coding exon 2 of the PMS2 gene, results from a G to A substitution at nucleotide position 85. The glycine at codon 29 is replaced by arginine, an amino acid with dissimilar properties. This amino acid position is highly conserved in available vertebrate species. In addition, this alteration is predicted to be deleterious by in silico analysis. Since supporting evidence is limited at this time, the clinical significance of this alteration remains unclear.

All of Us Research Program, National Institutes of Health
Classification: Uncertain significance for Lynch syndrome. Last evaluated: 2023-11-30. Review status: criteria provided, single submitter. Criteria: ACMG Guidelines, 2015. Collection method: clinical testing. Allele origin: germline. Inheritance: Autosomal dominant inheritance. Observed: 1 variant allele, 1 heterozygote.
Comment: This study involves interpretation of variants in research participants for the purpose of population health screening. Participant phenotype was not available at the time of variant classification. Additional details can be found in publication PMID: 35346344, PMCID: PMC8962531